The following is an entry in ClinVar:

ClinVar aggregate classification (germline): Uncertain significance (1 of 4 stars; one submission).

Allele frequency attached by ClinVar (database versions not stated): gnomAD exomes below 0.00001; TOPMed below 0.00001; ExAC 0.00001.
gnomAD v4.1: 4 of 1,614,214 alleles (0.00025%); highest among the groups gnomAD compares: Non-Finnish European, 0.00034%; no homozygotes.

Submission:

Labcorp Genetics (formerly Invitae), Labcorp
Classification: Uncertain significance. Last evaluated: 2021-05-19. Review status: criteria provided, single submitter. Criteria: Invitae Variant Classification Sherloc (09022015). Collection method: clinical testing. Allele origin: germline.
Comment: In summary, the available evidence is currently insufficient to determine the role of this variant in disease. Therefore, it has been classified as a Variant of Uncertain Significance. Algorithms developed to predict the effect of missense changes on protein structure and function (SIFT, PolyPhen-2, Align-GVGD) all suggest that this variant is likely to be tolerated, but these predictions have not been confirmed by published functional studies and their clinical significance is uncertain. This variant has not been reported in the literature in individuals with NCSTN-related conditions. This variant is present in population databases (rs753758382, ExAC 0.001%). This sequence change replaces isoleucine with valine at codon 463 of the NCSTN protein (p.Ile463Val). The isoleucine residue is moderately conserved and there is a small physicochemical difference between isoleucine and valine.

NM_015331.3(NCSTN):c.1387A>G (p.Ile463Val)

Gene: NCSTN (nicastrin; plus strand). Cytogenetic location: 1q23.2.
Variant type: single nucleotide variant.
Coding change: c.1387A>G on transcript NM_015331.3 (MANE Select); coding-DNA position 1387, A replaced by G.
Protein change: p.Ile463Val; replaces isoleucine 463 with valine.
Molecular consequence: missense variant.
Genome position (GRCh38, 1-based): chr1:160,355,689, A>G. VCF-style: chr1-160355689-A-G. GRCh37 (hg19) VCF-style: chr1-160325479-A-G.
Other names: c.1327A>G, p.Ile443Val (NM_001290184.2); c.973A>G, p.Ile325Val (NM_001290186.2); c.1387A>G, p.Ile463Val (NM_001349729.2); short protein forms I463V, I325V, I443V.
Identifiers: ClinVar variation 1492721 (VCV001492721.8), dbSNP rs753758382, ClinGen allele CA1198993.